The following is an entry in ClinVar:

NM_014991.6(WDFY3):c.9707A>G (p.His3236Arg)

Gene: WDFY3 (WD repeat and FYVE domain containing 3; minus strand). Cytogenetic location: 4q21.23.
Variant type: single nucleotide variant.
Coding change: c.9707A>G on transcript NM_014991.6 (MANE Select); coding-DNA position 9707, A replaced by G.
Protein change: p.His3236Arg; replaces histidine 3236 with arginine.
Molecular consequence: missense variant.
Genome position (GRCh38, 1-based): chr4:84,683,962, T>C on the plus strand (A>G on the coding strand, the complement: WDFY3 is on the minus strand). VCF-style: chr4-84683962-T-C. GRCh37 (hg19) VCF-style: chr4-85605115-T-C.
Other names: short protein forms H3236R.
Identifiers: ClinVar variation 3377921 (VCV003377921.1).

ClinVar aggregate classification (germline): Uncertain significance (1 of 4 stars; one submission).

Submission:

GeneDx
Classification: Uncertain significance. Last evaluated: 2024-05-17. Review status: criteria provided, single submitter. Criteria: GeneDx Variant Classification Process June 2021. Collection method: clinical testing. Allele origin: germline. Affected: yes.
Comment: Not observed at significant frequency in large population cohorts (gnomAD); In silico analysis indicates that this missense variant does not alter protein structure/function; Has not been previously published as pathogenic or benign to our knowledge